The following is an entry in ClinVar:

NM_005918.4(MDH2):c.472C>G (p.His158Asp)

Gene: MDH2 (malate dehydrogenase 2; plus strand). Cytogenetic location: 7q11.23.
Variant type: single nucleotide variant.
Coding change: c.472C>G on transcript NM_005918.4 (MANE Select); coding-DNA position 472, C replaced by G.
Protein change: p.His158Asp; replaces histidine 158 with aspartic acid.
Molecular consequence: missense variant. On other transcripts: intron variant (1).
Genome position (GRCh38, 1-based): chr7:76,060,415, C>G. VCF-style: chr7-76060415-C-G. GRCh37 (hg19) VCF-style: chr7-75689733-C-G.
Other names: c.151C>G, p.His51Asp (NM_001282404.2); c.429+2337C>G (NM_001282403.2); short protein forms H51D, H158D.
Identifiers: ClinVar variation 1742703 (VCV001742703.2), dbSNP rs781985267, ClinGen allele CA4305551.
Genomic context (GRCh38, chr7:76,060,415, plus strand): 5'-GTCTGTTGGATGTCCTAGGTTAATTCCACCATCCCCATCACAGCAGAAGTTTTCAAGAAG[C>G]ATGGAGTGTACAACCCCAACAAAATCTTCGGCGTGACGACCCTGGACATCGTCAGAGCCA-3'
Protein context (NP_005909.2, residues 148-168): IPITAEVFKK[His158Asp]GVYNPNKIFG

ClinVar aggregate classification (germline): Uncertain significance (1 of 4 stars; one submission).

Conditions:
Inborn genetic diseases. Identifiers: MedGen C0950123, MeSH D030342.

Allele frequency attached by ClinVar (database versions not stated): gnomAD exomes below 0.00001; ExAC 0.00001.

Submission:

Ambry Genetics
Classification: Uncertain significance for Inborn genetic diseases. Last evaluated: 2021-08-21. Review status: criteria provided, single submitter. Criteria: Ambry Variant Classification Scheme 2023. Collection method: clinical testing. Allele origin: germline.
Comment: The p.H158D variant (also known as c.472C>G), located in coding exon 5 of the MDH2 gene, results from a C to G substitution at nucleotide position 472. The histidine at codon 158 is replaced by aspartic acid, an amino acid with similar properties. This amino acid position is conserved. In addition, the in silico prediction for this alteration is inconclusive. Since supporting evidence is limited at this time, the clinical significance of this alteration remains unclear.